The following is an entry in ClinVar:

NM_020971.3(SPTBN4):c.6528G>C (p.Val2176=)

Gene: SPTBN4 (spectrin beta, non-erythrocytic 4; plus strand). Cytogenetic location: 19q13.2.
Variant type: single nucleotide variant.
Coding change: c.6528G>C on transcript NM_020971.3 (MANE Select); coding-DNA position 6528, G replaced by C.
Protein change: p.Val2176=; no amino-acid change (valine 2176 retained).
Molecular consequence: synonymous variant.
Genome position (GRCh38, 1-based): chr19:40,567,854, G>C. VCF-style: chr19-40567854-G-C. GRCh37 (hg19) VCF-style: chr19-41073760-G-C.
Identifiers: ClinVar variation 731683 (VCV000731683.25), dbSNP rs758029975, ClinGen allele CA9446790.

ClinVar aggregate classification (germline): Likely benign. Review status: criteria provided, multiple submitters, no conflicts (2 of 4 stars). 2 submissions from 2 submitters: Likely benign (2). Last evaluated 2024-02-01.

Allele frequency attached by ClinVar (database versions not stated): ExAC below 0.00001; gnomAD 0.00008 and 0.00009; TOPMed 0.00011.
gnomAD v4.1: 139 of 1,525,538 alleles (0.0091%); highest among the groups gnomAD compares: Middle Eastern, 0.021%; no homozygotes.

Submissions (2):

CeGaT Center for Human Genetics Tuebingen
Classification: Likely benign. Last evaluated: 2024-02-01. Review status: criteria provided, single submitter. Criteria: CeGaT Center For Human Genetics Tuebingen Variant Classification Criteria Version 2. Collection method: clinical testing. Allele origin: germline. Affected: yes. Observed: 1 variant allele.
Comment: SPTBN4: BP4, BP7

Labcorp Genetics (formerly Invitae), Labcorp
Classification: Likely benign. Last evaluated: 2017-11-27. Review status: criteria provided, single submitter. Criteria: Invitae Variant Classification Sherloc (09022015). Collection method: clinical testing. Allele origin: germline.